The following is an entry in ClinVar:

NM_018249.6(CDK5RAP2):c.5649A>G (p.Pro1883=)

Gene: CDK5RAP2 (CDK5 regulatory subunit associated protein 2; minus strand). Cytogenetic location: 9q33.2.
Variant type: single nucleotide variant.
Coding change: c.5649A>G on transcript NM_018249.6 (MANE Select); coding-DNA position 5649, A replaced by G.
Protein change: p.Pro1883=; no amino-acid change (proline 1883 retained).
Molecular consequence: synonymous variant. On other transcripts: non-coding transcript variant (5).
Genome position (GRCh38, 1-based): chr9:120,389,269, T>C on the plus strand (A>G on the coding strand, the complement: CDK5RAP2 is on the minus strand). VCF-style: chr9-120389269-T-C. GRCh37 (hg19) VCF-style: chr9-123151547-T-C.
Other names: c.5412A>G, p.Pro1804= (NM_001011649.3); c.4959A>G, p.Pro1653= (NM_001272039.2).
Identifiers: ClinVar variation 364743 (VCV000364743.19), dbSNP rs199736016, ClinGen allele CA5213190.

ClinVar aggregate classification (germline): Conflicting classifications of pathogenicity. Review status: criteria provided, conflicting classifications (1 of 4 stars). 5 submissions from 5 submitters: Uncertain significance (1); Likely benign (3). 1 of the submissions does not count toward it. Last evaluated 2025-12-23.

Conditions:
CDK5RAP2-related disorder. Also called: CDK5RAP2-related condition.
Microcephaly 3, primary, autosomal recessive. Identifiers: Orphanet 2512, MedGen C1858108, MONDO:0011488, OMIM 604804.

Allele frequency attached by ClinVar (database versions not stated): ExAC 0.00022; ESP Exome Variant Server 0.00023; gnomAD 0.00031; 1000 Genomes Project 0.00040; TOPMed 0.00040; gnomAD exomes 0.00043 and 0.00027; 1000 Genomes Project 30x 0.00031.
gnomAD v4.1: 677 of 1,612,980 alleles (0.042%); highest among the groups gnomAD compares: Non-Finnish European, 0.052%; 2 homozygotes.

Submissions (5):

Labcorp Genetics (formerly Invitae), Labcorp
Classification: Likely benign. Last evaluated: 2025-12-23. Review status: criteria provided, single submitter. Criteria: Invitae Variant Classification Sherloc (09022015). Collection method: clinical testing. Allele origin: germline.

Blueprint Genetics
Classification: Likely benign. Last evaluated: 2024-09-23. Review status: criteria provided, single submitter. Criteria: ACMG Guidelines, 2015. Collection method: clinical testing. Allele origin: germline.

Illumina Laboratory Services, Illumina
Classification: Uncertain significance for Microcephaly 3, primary, autosomal recessive. Last evaluated: 2018-01-13. Review status: criteria provided, single submitter. Criteria: ICSL Variant Classification Criteria 13 December 2019. Collection method: clinical testing. Allele origin: germline.

Genetic Services Laboratory, University of Chicago
Classification: Likely benign. Last evaluated: 2017-12-29. Review status: criteria provided, single submitter. Criteria: ACMG Guidelines, 2015. Collection method: clinical testing. Allele origin: germline. Affected: no.

PreventionGenetics, part of Exact Sciences
Classification: Likely benign for CDK5RAP2-related condition. Last evaluated: 2019-02-28. Review status: no assertion criteria provided. Collection method: clinical testing. Allele origin: germline. Not counted in ClinVar's aggregate classification.
Comment: This variant is classified as likely benign based on ACMG/AMP sequence variant interpretation guidelines (Richards et al. 2015 PMID: 25741868, with internal and published modifications).